The following is an entry in ClinVar:

ClinVar aggregate classification (germline): Conflicting classifications of pathogenicity. Review status: criteria provided, conflicting classifications (1 of 4 stars). 9 submissions from 8 submitters: Uncertain significance (1); Benign (2); Likely benign (4). 2 of the submissions do not count toward it. Last evaluated 2026-01-06.

Conditions:
Distal arthrogryposis type 2B1 (DA2B1). Also called: Arthrogryposis multiplex congenita distal type II with craniofacial abnormalities. Identifiers: Orphanet 1147, MedGen C5193014, MONDO:0020820, OMIM 601680.
Freeman-Sheldon syndrome (DA2A). Also called: CRANIOCARPOTARSAL DYSPLASIA; CRANIOCARPOTARSAL DYSTROPHY; WHISTLING FACE-WINDMILL VANE HAND SYNDROME; Arthrogryposis, distal, type 2A (Freeman-Sheldon). Identifiers: Orphanet 2053, MedGen C0265224, MONDO:0008675, OMIM 193700.

Allele frequency attached by ClinVar (database versions not stated): 1000 Genomes Project 30x 0.00016; 1000 Genomes Project 0.00020; TOPMed 0.00048; gnomAD 0.00052 and 0.00054; gnomAD exomes 0.00077 and 0.00080; ESP Exome Variant Server 0.00085; ExAC 0.00097.
gnomAD v4.1: 1,178 of 1,614,062 alleles (0.073%); highest among the groups gnomAD compares: Non-Finnish European, 0.092%; 4 homozygotes.

Submissions (9):

Labcorp Genetics (formerly Invitae), Labcorp
Classification: Likely benign. Last evaluated: 2026-01-06. Review status: criteria provided, single submitter. Criteria: Invitae Variant Classification Sherloc (09022015). Collection method: clinical testing. Allele origin: germline.

Women's Health and Genetics/Laboratory Corporation of America, LabCorp
Classification: Uncertain significance. Last evaluated: 2024-10-08. Review status: criteria provided, single submitter. Criteria: LabCorp Variant Classification Summary - May 2015. Collection method: clinical testing. Allele origin: germline.
Comment: Variant summary: MYH3 c.3731C>T (p.Ala1244Val) results in a non-conservative amino acid change in the encoded protein sequence. Three of five in-silico tools predict a benign effect of the variant on protein function. Consensus agreement among computation tools predict no significant impact on normal splicing. However, these predictions have yet to be confirmed by functional studies. The variant allele was found at a frequency of 0.0008 in 251474 control chromosomes, predominantly at a frequency of 0.0016 within the Non-Finnish European subpopulation in the gnomAD database, including 1 homozygote. To our knowledge, no occurrence of c.3731C>T in individuals affected with MYH3-Related Disorders and no experimental evidence demonstrating its impact on protein function have been reported. ClinVar contains an entry for this variant (Variation ID: 321731). Based on the evidence outlined above, the variant was classified as VUS-possibly benign.

Blueprint Genetics
Classification: Likely benign. Last evaluated: 2024-10-02. Review status: criteria provided, single submitter. Criteria: ACMG Guidelines, 2015. Collection method: clinical testing. Allele origin: germline.

CeGaT Center for Human Genetics Tuebingen
Classification: Likely benign. Last evaluated: 2024-03-01. Review status: criteria provided, single submitter. Criteria: CeGaT Center For Human Genetics Tuebingen Variant Classification Criteria Version 2. Collection method: clinical testing. Allele origin: germline. Affected: yes. Observed: 1 variant allele.
Comment: MYH3: BP4

GeneDx
Classification: Benign. Last evaluated: 2020-09-01. Review status: criteria provided, single submitter. Criteria: GeneDx Variant Classification Process June 2021. Collection method: clinical testing. Allele origin: germline. Affected: yes.

Illumina Laboratory Services, Illumina
Classification: Benign for Freeman-Sheldon syndrome. Last evaluated: 2018-01-12. Review status: criteria provided, single submitter. Criteria: ICSL Variant Classification Criteria 13 December 2019. Collection method: clinical testing. Allele origin: germline.
Comment: This variant was observed in the ICSL laboratory as part of a predisposition screen in an ostensibly healthy population. It had not been previously curated by ICSL or reported in the Human Gene Mutation Database (HGMD: prior to June 1st, 2018), and was therefore a candidate for classification through an automated scoring system. Utilizing variant allele frequency, disease prevalence and penetrance estimates, and inheritance mode, an automated score was calculated to assess if this variant is too frequent to cause the disease. Based on the score and internal cut-off values, a variant classified as benign is not then subjected to further curation. The score for this variant resulted in a classification of benign for this disease.

Illumina Laboratory Services, Illumina
Classification: Likely benign for Distal arthrogryposis type 2B1. Last evaluated: 2018-01-12. Review status: criteria provided, single submitter. Criteria: ICSL Variant Classification Criteria 13 December 2019. Collection method: clinical testing. Allele origin: germline.
Comment: This variant was observed in the ICSL laboratory as part of a predisposition screen in an ostensibly healthy population. It had not been previously curated by ICSL or reported in the Human Gene Mutation Database (HGMD: prior to June 1st, 2018), and was therefore a candidate for classification through an automated scoring system. Utilizing variant allele frequency, disease prevalence and penetrance estimates, and inheritance mode, an automated score was calculated to assess if this variant is too frequent to cause the disease. Based on the score and internal cut-off values, a variant classified as likely benign is not then subjected to further curation. The score for this variant resulted in a classification of likely benign for this disease.

Genome Diagnostics Laboratory, University Medical Center Utrecht
Classification: Likely benign. Review status: no assertion criteria provided. Collection method: clinical testing. Allele origin: germline. Affected: yes. Study: VKGL Data-share Consensus. Not counted in ClinVar's aggregate classification.

Laboratory of Diagnostic Genome Analysis, Leiden University Medical Center (LUMC)
Classification: Likely benign. Review status: no assertion criteria provided. Collection method: clinical testing. Allele origin: germline. Affected: yes. Study: VKGL Data-share Consensus. Not counted in ClinVar's aggregate classification.

NM_002470.4(MYH3):c.3731C>T (p.Ala1244Val)

Gene: MYH3 (myosin heavy chain 3; minus strand). Cytogenetic location: 17p13.1.
Variant type: single nucleotide variant.
Coding change: c.3731C>T on transcript NM_002470.4 (MANE Select); coding-DNA position 3731, C replaced by T.
Protein change: p.Ala1244Val; replaces alanine 1244 with valine.
Molecular consequence: missense variant.
Genome position (GRCh38, 1-based): chr17:10,637,934, G>A on the plus strand (C>T on the coding strand, the complement: MYH3 is on the minus strand). VCF-style: chr17-10637934-G-A. GRCh37 (hg19) VCF-style: chr17-10541251-G-A.
Other names: short protein forms A1244V.
Identifiers: ClinVar variation 321731 (VCV000321731.43), dbSNP rs140074626, ClinGen allele CA8392417.